The following is an entry in ClinVar:

NM_002087.4(GRN):c.103G>A (p.Gly35Arg)

Gene: GRN (granulin precursor; plus strand). Cytogenetic location: 17q21.31.
Variant type: single nucleotide variant.
Coding change: c.103G>A on transcript NM_002087.4 (MANE Select); coding-DNA position 103, G replaced by A.
Protein change: p.Gly35Arg; replaces glycine 35 with arginine.
Molecular consequence: missense variant.
Genome position (GRCh38, 1-based): chr17:44,349,267, G>A. VCF-style: chr17-44349267-G-A. GRCh37 (hg19) VCF-style: chr17-42426635-G-A.
Other names: short protein forms G35R.
Identifiers: ClinVar variation 976698 (VCV000976698.9), dbSNP rs533451404, ClinGen allele CA8601748.
Genomic context (GRCh38, chr17:44,349,267, plus strand): 5'-GTGGCTGGAACGCGGTGCCCAGATGGTCAGTTCTGCCCTGTGGCCTGCTGCCTGGACCCC[G>A]GAGGAGCCAGCTACAGCTGCTGCCGTCCCCTTCTGGTGAGTGCCCCTCAGCCTAGGCAAG-3'
Protein context (NP_002078.1, residues 25-45): FCPVACCLDP[Gly35Arg]GASYSCCRPL

ClinVar aggregate classification (germline): Conflicting classifications of pathogenicity. Review status: criteria provided, conflicting classifications (1 of 4 stars). 3 submissions from 3 submitters: Pathogenic (1); Uncertain significance (2). Last evaluated 2025-08-04.

Conditions:
Neuronal ceroid lipofuscinosis 11. Also called: GRN-Related Neuronal Ceroid-Lipofuscinosis. Identifiers: Orphanet 314629, Orphanet 79262, MedGen C3539123, MONDO:0013866, OMIM 614706.
GRN-related frontotemporal lobar degeneration with Tdp43 inclusions (FTD2). Also called: FRONTOTEMPORAL DEMENTIA WITH TDP43 INCLUSIONS, GRN-RELATED; GRN Frontotemporal Dementia; DEMENTIA, HEREDITARY DYSPHASIC DISINHIBITION; FRONTOTEMPORAL LOBAR DEGENERATION WITH UBIQUITIN-POSITIVE INCLUSIONS; FTLD-TDP, GRN-RELATED. Identifiers: Orphanet 100070, Orphanet 282, MedGen C1843792, MONDO:0011842, OMIM 607485. Disease mechanism: loss of function.

Allele frequency attached by ClinVar (database versions not stated): ExAC 0.00001; gnomAD exomes 0.00001 and 0.00002; gnomAD 0.00002; TOPMed 0.00003.
gnomAD v4.1: 25 of 1,613,824 alleles (0.0015%); highest among the groups gnomAD compares: Admixed American, 0.01%; no homozygotes.

Submissions (3):

Labcorp Genetics (formerly Invitae), Labcorp
Classification: Uncertain significance for Neuronal ceroid lipofuscinosis 11; GRN-related frontotemporal lobar degeneration with Tdp43 inclusions. Last evaluated: 2025-08-04. Review status: criteria provided, single submitter. Criteria: Invitae Variant Classification Sherloc (09022015). Collection method: clinical testing. Allele origin: germline.
Comment: This sequence change replaces glycine, which is neutral and non-polar, with arginine, which is basic and polar, at codon 35 of the GRN protein (p.Gly35Arg). This variant is present in population databases (rs533451404, gnomAD 0.009%). This missense change has been observed in individual(s) with clinical features of frontotemporal dementia and/or GRN-related conditions (PMID: 18752597, 25604855, 26811050, 34561610). ClinVar contains an entry for this variant (Variation ID: 976698). An algorithm developed to predict the effect of missense changes on protein structure and function outputs the following: PolyPhen-2: "Benign". The arginine amino acid residue is found in multiple mammalian species, which suggests that this missense change does not adversely affect protein function. In summary, the available evidence is currently insufficient to determine the role of this variant in disease. Therefore, it has been classified as a Variant of Uncertain Significance.

AiLife Diagnostics
Classification: Uncertain significance. Last evaluated: 2020-11-10. Review status: criteria provided, single submitter. Criteria: ACMG Guidelines, 2015. Collection method: clinical testing. Allele origin: germline. Affected: yes. Observed: 1 variant allele.

Institute of Human Genetics Munich, TUM University Hospital
Classification: Pathogenic for GRN-related frontotemporal lobar degeneration with Tdp43 inclusions. Last evaluated: 2017-04-10. Review status: criteria provided, single submitter. Criteria: Classification criteria August 2017. Collection method: clinical testing. Allele origin: germline. Inheritance: Autosomal dominant inheritance. Affected: yes. Observed: 1 heterozygote.

Literature cited by the submitters: PubMed 18752597 (cited by Labcorp Genetics (formerly Invitae), Labcorp and AiLife Diagnostics); PubMed 25604855 (cited by Labcorp Genetics (formerly Invitae), Labcorp); PubMed 26811050 (cited by Labcorp Genetics (formerly Invitae), Labcorp and AiLife Diagnostics); PubMed 34561610 (cited by Labcorp Genetics (formerly Invitae), Labcorp).